The following is an entry in ClinVar:

ClinVar aggregate classification (germline): Benign (0 of 4 stars; one submission).

Conditions:
ULK4-related disorder. Also called: ULK4-related condition.

Allele frequency attached by ClinVar (database versions not stated): 1000 Genomes Project 30x 0.08089; 1000 Genomes Project 0.08147; TOPMed 0.11215; gnomAD 0.12165; ESP Exome Variant Server 0.12337; ExAC 0.12408; gnomAD exomes 0.13817.
gnomAD v4.1: 219,782 of 1,609,866 alleles (14%); highest among the groups gnomAD compares: Middle Eastern, 22%; 16,061 homozygotes.

Submission:

PreventionGenetics, part of Exact Sciences
Classification: Benign for ULK4-related condition. Last evaluated: 2019-10-21. Review status: no assertion criteria provided. Collection method: clinical testing. Allele origin: germline.
Comment: This variant is classified as benign based on ACMG/AMP sequence variant interpretation guidelines (Richards et al. 2015 PMID: 25741868, with internal and published modifications).

NM_017886.4(ULK4):c.2143G>A (p.Ala715Thr)

Gene: ULK4 (unc-51 like kinase 4; minus strand). Cytogenetic location: 3p22.1.
Variant type: single nucleotide variant.
Coding change: c.2143G>A on transcript NM_017886.4 (MANE Select); coding-DNA position 2143, G replaced by A.
Protein change: p.Ala715Thr; replaces alanine 715 with threonine.
Molecular consequence: missense variant. On other transcripts: non-coding transcript variant (1).
Genome position (GRCh38, 1-based): chr3:41,789,711, C>T on the plus strand (G>A on the coding strand, the complement: ULK4 is on the minus strand). VCF-style: chr3-41789711-C-T. GRCh37 (hg19) VCF-style: chr3-41831203-C-T.
Other names: c.2143G>A, p.Ala715Thr (NM_001322500.2); c.1237G>A, p.Ala413Thr (NM_001322501.2); short protein forms A413T, A715T.
Identifiers: ClinVar variation 3058955 (VCV003058955.2), dbSNP rs17215589, ClinGen allele CA2331979.